The following is an entry in ClinVar:

ClinVar aggregate classification (germline): Likely pathogenic (1 of 4 stars; one submission).

Conditions:
Developmental and epileptic encephalopathy, 34 (DEE34). Also called: SLC12A5-Related Epilepsy of Infancy with Migrating Focal Seizures; Early infantile epileptic encephalopathy 34. Identifiers: Orphanet 293181, MedGen C4225257, MONDO:0014718, OMIM 616645.

Submission:

Laboratory of Medical Genetics, National & Kapodistrian University of Athens
Classification: Likely pathogenic for Developmental and epileptic encephalopathy, 34. Last evaluated: 2023-05-17. Review status: criteria provided, single submitter. Criteria: ACMG Guidelines, 2015. Collection method: clinical testing. Allele origin: germline. Affected: yes.
Comment: PM2, PM3, PP2, PP3 - Low frequency in gnomAD population databases. In silico prediction tools estimated that the variant could be damaging for the protein function/stracture. It was detected in trans with another pathogenic variant.

NM_020708.5(SLC12A5):c.2609A>C (p.Gln870Pro)

Gene: SLC12A5 (solute carrier family 12 member 5; plus strand). Cytogenetic location: 20q13.12.
Variant type: single nucleotide variant.
Coding change: c.2609A>C on transcript NM_020708.5 (MANE Select); coding-DNA position 2609, A replaced by C.
Protein change: p.Gln870Pro; replaces glutamine 870 with proline.
Molecular consequence: missense variant.
Genome position (GRCh38, 1-based): chr20:46,053,639, A>C. VCF-style: chr20-46053639-A-C. GRCh37 (hg19) VCF-style: chr20-44682278-A-C.
Other names: c.2678A>C, p.Gln893Pro (NM_001134771.2); short protein forms Q870P, Q893P.
Identifiers: ClinVar variation 3256545 (VCV003256545.1).